The following is an entry in ClinVar:

ClinVar aggregate classification (germline): Uncertain significance. Review status: criteria provided, multiple submitters, no conflicts (2 of 4 stars). 3 submissions from 3 submitters: Uncertain significance (3). Last evaluated 2023-07-10.

Conditions:
Malignant hyperthermia, susceptibility to, 1 (MHS1). Also called: Anesthesia related hyperthermia; Malignant hyperpyrexia; Fulminating hyperpyrexia; Pharmacogenic myopathy; Malignant hyperthermia suceptibility 1; RYR1-Related Malignant Hyperthermia Susceptibility. Identifiers: Orphanet 423, MedGen C2930980, MONDO:0007783, OMIM 145600.
King Denborough syndrome (KDS). Identifiers: MedGen C1840365, MONDO:0020485, OMIM 619542.
Congenital multicore myopathy with external ophthalmoplegia (CMYO1B). Also called: MULTIMINICORE DISEASE WITH EXTERNAL OPHTHALMOPLEGIA; Minicore myopathy with external ophthalmoplegia; Congenital myopathy 1B, autosomal recessive; Minicore myopathy; MULTICORE MYOPATHY. Identifiers: Orphanet 598, Orphanet 98905, MedGen C1850674, MONDO:0009712, OMIM 255320, HP:0003789.
Congenital myopathy with fiber type disproportion. Also called: Congenital fiber-type disproportion myopathy; Congenital fiber-type disproportion. Identifiers: Orphanet 2020, MedGen C0546264, MONDO:0009711. Inheritance: all.
Central core myopathy (CMYO1A). Also called: Central core disease; Myopathy, central fibrillar; CONGENITAL MYOPATHY 1A, AUTOSOMAL DOMINANT, WITH SUSCEPTIBILITY TO MALIGNANT HYPERTHERMIA. Identifiers: Orphanet 597, MedGen C5830701, MONDO:0007294, OMIM 117000.

Allele frequency attached by ClinVar (database versions not stated): gnomAD exomes below 0.00001 and 0.00001; ExAC 0.00001.
gnomAD v4.1: 19 of 1,613,640 alleles (0.0012%); highest among the groups gnomAD compares: Non-Finnish European, 0.0016%; no homozygotes.

Submissions (3):

All of Us Research Program, National Institutes of Health
Classification: Uncertain significance for Malignant hyperthermia, susceptibility to, 1. Last evaluated: 2023-07-10. Review status: criteria provided, single submitter. Criteria: ACMG Guidelines, 2015. Collection method: clinical testing. Allele origin: germline. Inheritance: Autosomal dominant inheritance. Observed: 3 variant alleles, 3 heterozygotes.
Comment: This missense variant replaces threonine with alanine at codon 214 of the RYR1 protein. Computational prediction is inconclusive regarding the impact of this variant on protein structure and function (internally defined REVEL score threshold 0.5 < inconclusive < 0.7, PMID: 27666373). To our knowledge, functional studies have not been reported for this variant. This variant has not been reported in individuals affected with RYR1-related disorders in the literature. This variant has been identified in 1/251416 chromosomes in the general population by the Genome Aggregation Database (gnomAD). The available evidence is insufficient to determine the role of this variant in disease conclusively. Therefore, this variant is classified as a Variant of Uncertain Significance.

This study involves interpretation of variants in research participants for the purpose of population health screening. Participant phenotype was not available at the time of variant classification. Additional details can be found in publication PMID: 35346344, PMCID: PMC8962531

Molecular Genetics, Royal Melbourne Hospital
Classification: Uncertain significance for Malignant hyperthermia, susceptibility to, 1. Last evaluated: 2023-03-30. Review status: criteria provided, single submitter. Criteria: ACMG Guidelines, 2015. Collection method: clinical testing. Allele origin: germline. Affected: yes.
Comment: This sequence change is predicted to replace threonine with alanine at codon 214 of the RYR1 protein (p.Thr214Ala). The threonine residue is low to moderately conserved (100 vertebrates, UCSC), and is located in the MH1 N-terminal mutational hot spot (PM1; PMID: 30406384). There is a small physicochemical difference between threonine and alanine. The variant is present in a single individual in a large population cohort (PM2; rs769650157, 1/251,416 alleles in gnomAD v2.1), and has not been reported in the relevant literature or as a European Malignant Hyperthermia Group diagnostic mutation. Multiple lines of computational evidence have conflicting predictions for the missense substitution (3/6 algorithms predict deleterious). A different missense change at the same amino acid residue (p.Thr214Met) has been identified in multiple malignant hyperthermia susceptible cases (PMID: 25658027). Based on the classification scheme RMH ACMG Guidelines v1.2.1, this variant is classified as VARIANT OF UNCERTAIN SIGNIFICANCE. Following criteria are met: PM1, PM2.

Fulgent Genetics
Classification: Uncertain significance for Central core myopathy; Malignant hyperthermia, susceptibility to, 1; Congenital myopathy 4A, autosomal dominant; Congenital multicore myopathy with external ophthalmoplegia; King Denborough syndrome. Last evaluated: 2021-08-12. Review status: criteria provided, single submitter. Criteria: ACMG Guidelines, 2015. Collection method: clinical testing. Allele origin: unknown.

Literature cited by the submitters: PubMed 25658027 (cited by Molecular Genetics, Royal Melbourne Hospital); PubMed 30406384 (cited by Molecular Genetics, Royal Melbourne Hospital).

NM_000540.3(RYR1):c.640A>G (p.Thr214Ala)

Gene: RYR1 (ryanodine receptor 1; plus strand). Cytogenetic location: 19q13.2.
Variant type: single nucleotide variant.
Coding change: c.640A>G on transcript NM_000540.3 (MANE Select); coding-DNA position 640, A replaced by G.
Protein change: p.Thr214Ala; replaces threonine 214 with alanine.
Molecular consequence: missense variant.
Genome position (GRCh38, 1-based): chr19:38,446,480, A>G. VCF-style: chr19-38446480-A-G. GRCh37 (hg19) VCF-style: chr19-38937120-A-G.
Other names: c.640A>G, p.Thr214Ala (NM_001042723.2); short protein forms T214A.
Identifiers: ClinVar variation 1678617 (VCV001678617.4), dbSNP rs769650157, ClinGen allele CA068223.